The following is an entry in ClinVar:

ClinVar aggregate classification (germline): Likely pathogenic. Review status: criteria provided, multiple submitters, no conflicts (2 of 4 stars). 3 submissions from 3 submitters: Likely pathogenic (3). Last evaluated 2025-09-04.

Conditions:
Baller-Gerold syndrome (BGS). Also called: CRANIOSYNOSTOSIS WITH RADIAL DEFECTS. Identifiers: Orphanet 1225, MedGen C0265308, MONDO:0009039, OMIM 218600.
Rapadilino syndrome. Identifiers: Orphanet 3021, MedGen C1849453, MONDO:0009955, OMIM 266280.
Rothmund-Thomson syndrome type 2 (RTS2). Identifiers: Orphanet 221016, MedGen C5203410, MONDO:0016369, OMIM 268400.
RECQL4-related disorder. Also called: RECQL4-related disorders; RECQL4-related condition.

Allele frequency attached by ClinVar (database versions not stated): gnomAD 0.00001; gnomAD exomes 0.00001 and 0.00003; ExAC 0.00006.
gnomAD v4.1: 15 of 1,612,780 alleles (0.00093%); highest among the groups gnomAD compares: Non-Finnish European, 0.00042%; no homozygotes.

Submissions (3):

First Genomix Gene Laboratory, Genetic Diagnostics Department
Classification: Likely pathogenic for Baller-Gerold syndrome; Rapadilino syndrome; Rothmund-Thomson syndrome type 2. Last evaluated: 2025-09-04. Review status: criteria provided, single submitter. Criteria: ACMG Guidelines, 2015. Collection method: clinical testing. Allele origin: germline. Inheritance: Autosomal recessive inheritance. Affected: no. Observed: 1 variant allele.

Labcorp Genetics (formerly Invitae), Labcorp
Classification: Likely pathogenic for Baller-Gerold syndrome. Last evaluated: 2023-10-05. Review status: criteria provided, single submitter. Criteria: Invitae Variant Classification Sherloc (09022015). Collection method: clinical testing. Allele origin: germline.
Comment: This sequence change affects an acceptor splice site in intron 5 of the RECQL4 gene. It is expected to disrupt RNA splicing. Variants that disrupt the donor or acceptor splice site typically lead to a loss of protein function (PMID: 16199547), and loss-of-function variants in RECQL4 are known to be pathogenic (PMID: 12734318, 12952869). This variant is present in population databases (rs751503394, gnomAD 0.004%). This variant has not been reported in the literature in individuals affected with RECQL4-related conditions. ClinVar contains an entry for this variant (Variation ID: 857415). Algorithms developed to predict the effect of sequence changes on RNA splicing suggest that this variant may disrupt the consensus splice site. In summary, the currently available evidence indicates that the variant is pathogenic, but additional data are needed to prove that conclusively. Therefore, this variant has been classified as Likely Pathogenic.

Blueprint Genetics
Classification: Likely pathogenic for RECQL4-related disorders. Last evaluated: 2019-01-22. Review status: criteria provided, single submitter. Criteria: ACMG Guidelines, 2015. Collection method: clinical testing. Allele origin: germline. Affected: yes. Observed: 3 variant alleles.

Literature cited by the submitters: PubMed 16199547 (cited by Labcorp Genetics (formerly Invitae), Labcorp); PubMed 12734318 (cited by Labcorp Genetics (formerly Invitae), Labcorp); PubMed 12952869 (cited by Labcorp Genetics (formerly Invitae), Labcorp).

NM_004260.4(RECQL4):c.1132-1G>A

Gene: RECQL4 (RecQ like helicase 4; minus strand). Cytogenetic location: 8q24.3.
Variant type: single nucleotide variant.
Coding change: c.1132-1G>A on transcript NM_004260.4 (MANE Select); the canonical splice acceptor site of the intron before coding-DNA position 1132, G replaced by A.
Molecular consequence: splice acceptor variant. On other transcripts: intron variant (1).
Genome position (GRCh38, 1-based): chr8:144,515,891, C>T on the plus strand (G>A on the coding strand, the complement: RECQL4 is on the minus strand). VCF-style: chr8-144515891-C-T. GRCh37 (hg19) VCF-style: chr8-145741275-C-T.
Other names: c.1003-1G>A (NM_001413025.1); c.781-1G>A (NM_001413029.1); c.-2-1G>A (NM_001413032.1, NM_001413027.1, NM_001413031.1 and 2 more transcripts); c.61-1G>A (NM_001413035.1, NM_001413040.1, NM_001413021.1 and 8 more transcripts); c.1036-1G>A (NM_001413017.1, NM_001413020.1); c.1132-1G>A (NM_001413039.1, NM_001413033.1, NM_001413018.1 and 2 more transcripts); c.-210+97G>A (NM_001413043.1).
Identifiers: ClinVar variation 857415 (VCV000857415.8), dbSNP rs751503394, ClinGen allele CA4949014.